The following is an entry in ClinVar:

ClinVar aggregate classification (germline): Uncertain significance (1 of 4 stars; one submission).

Submission:

GeneDx
Classification: Uncertain significance. Last evaluated: 2019-04-03. Review status: criteria provided, single submitter. Criteria: GeneDx Variant Classification Process June 2021. Collection method: clinical testing. Allele origin: germline. Affected: yes.
Comment: Not observed in large population cohorts (Lek et al., 2016); In silico analysis, which includes protein predictors and evolutionary conservation, supports a deleterious effect; Has not been previously published as pathogenic or benign to our knowledge

NM_182641.4(BPTF):c.8113C>T (p.Pro2705Ser)

Gene: BPTF (bromodomain PHD finger transcription factor; plus strand). Cytogenetic location: 17q24.2.
Variant type: single nucleotide variant.
Coding change: c.8113C>T on transcript NM_182641.4 (MANE Select); coding-DNA position 8113, C replaced by T.
Protein change: p.Pro2705Ser; replaces proline 2705 with serine.
Molecular consequence: missense variant.
Genome position (GRCh38, 1-based): chr17:67,959,727, C>T. VCF-style: chr17-67959727-C-T. GRCh37 (hg19) VCF-style: chr17-65955843-C-T.
Other names: c.8062C>T, p.Pro2688Ser (NM_004459.7); short protein forms P2688S, P2705S.
Identifiers: ClinVar variation 1308512 (VCV001308512.2), dbSNP rs2148300011, ClinGen allele CA400730300.
Genomic context (GRCh38, chr17:67,959,727, plus strand): 5'-CCTTCACCTCCCCCTCCACCTGCTGTGCAACACACAGGCCTTCTGTCCACGCCCACCTTA[C>T]CTGCTGCTTCCCAGAAGAGGAAGCGGGAAGAGGAAAAAGACTCCAGCTCAAAGTCCAAGA-3'
Protein context (NP_872579.2, residues 2695-2715): HTGLLSTPTL[Pro2705Ser]AASQKRKREE